The following is an entry in ClinVar:

NM_003334.4(UBA1):c.2554-6T>C

Gene: UBA1 (ubiquitin like modifier activating enzyme 1; plus strand). Cytogenetic location: Xp11.3.
Variant type: single nucleotide variant.
Coding change: c.2554-6T>C on transcript NM_003334.4 (MANE Select); 6 bases into the intron before coding-DNA position 2554, T replaced by C.
Molecular consequence: intron variant.
Genome position (GRCh38, 1-based): chrX:47,212,765, T>C. VCF-style: chrX-47212765-T-C. GRCh37 (hg19) VCF-style: chrX-47072164-T-C.
Other names: c.2554-6T>C (NM_153280.3).
Identifiers: ClinVar variation 1094057 (VCV001094057.11), dbSNP rs370565575, ClinGen allele CA329040368.

ClinVar aggregate classification (germline): Conflicting classifications of pathogenicity. Review status: criteria provided, conflicting classifications (1 of 4 stars). 2 submissions from 2 submitters: Uncertain significance (1); Likely benign (1). Last evaluated 2023-06-15.

Conditions:
Inborn genetic diseases. Identifiers: MedGen C0950123, MeSH D030342.
Infantile-onset X-linked spinal muscular atrophy. Also called: AMC, DISTAL, X-LINKED; ARTHROGRYPOSIS, X-LINKED, TYPE I; Spinal muscular atrophy, X-linked 2; Spinal Muscular Atrophy, X-Linked Infantile; SPINAL MUSCULAR ATROPHY, X-LINKED LETHAL INFANTILE. Identifiers: Orphanet 1145, MedGen C1844934, MONDO:0010532, OMIM 301830.

Allele frequency attached by ClinVar (database versions not stated): gnomAD exomes 0.00001; ESP Exome Variant Server 0.00009.
gnomAD v4.1: 17 of 1,208,900 alleles (0.0014%); highest among the groups gnomAD compares: Non-Finnish European, 0.0015%; no homozygotes.

Submissions (2):

Labcorp Genetics (formerly Invitae), Labcorp
Classification: Likely benign for Infantile-onset X-linked spinal muscular atrophy. Last evaluated: 2023-06-15. Review status: criteria provided, single submitter. Criteria: Invitae Variant Classification Sherloc (09022015). Collection method: clinical testing. Allele origin: germline.

Ambry Genetics
Classification: Uncertain significance for Inborn genetic diseases. Last evaluated: 2021-02-17. Review status: criteria provided, single submitter. Criteria: Ambry Variant Classification Scheme 2023. Collection method: clinical testing. Allele origin: germline.
Comment: The c.2554-6T>C intronic variant results from a T to C substitution 6 nucleotides upstream from coding exon 21 in the UBA1 gene. Based on data from gnomAD, the C allele has an overall frequency of 0.0005% (1/180711) total alleles studied, with 0 hemizygote(s) observed. The highest observed frequency was 0.0223% (1/4483) of Other alleles. This nucleotide position is highly conserved in available vertebrate species. In silico splice site analysis predicts that this alteration will not have any significant effect on splicing. Since supporting evidence is limited at this time, the clinical significance of this alteration remains unclear.